The following is an entry in ClinVar:

NM_022455.5(NSD1):c.7604A>G (p.Gln2535Arg)

Gene: NSD1 (nuclear receptor binding SET domain protein 1; plus strand). Cytogenetic location: 5q35.3.
Variant type: single nucleotide variant.
Coding change: c.7604A>G on transcript NM_022455.5 (MANE Select); coding-DNA position 7604, A replaced by G.
Protein change: p.Gln2535Arg; replaces glutamine 2535 with arginine.
Molecular consequence: missense variant.
Genome position (GRCh38, 1-based): chr5:177,294,972, A>G. VCF-style: chr5-177294972-A-G. GRCh37 (hg19) VCF-style: chr5-176721973-A-G.
Other names: c.6731A>G, p.Gln2244Arg (NM_001365684.2, NM_001409308.1, NM_172349.5); c.7604A>G, p.Gln2535Arg (NM_001409301.1, NM_001409302.1, NM_001409303.1); c.7184A>G, p.Gln2395Arg (NM_001409304.1); c.6851A>G, p.Gln2284Arg (NM_001409305.1); c.6842A>G, p.Gln2281Arg (NM_001409306.1, NM_001409307.1); c.6482A>G, p.Gln2161Arg (NM_001409309.1); short protein forms Q2266R, Q2535R, Q2244R, Q2281R, Q2161R, Q2284R, Q2395R.
Identifiers: ClinVar variation 1313126 (VCV001313126.2), dbSNP rs2127283711, ClinGen allele CA362333496.

ClinVar aggregate classification (germline): Uncertain significance (1 of 4 stars; one submission).

Submission:

GeneDx
Classification: Uncertain significance. Last evaluated: 2020-07-20. Review status: criteria provided, single submitter. Criteria: GeneDx Variant Classification Process June 2021. Collection method: clinical testing. Allele origin: germline. Affected: yes.
Comment: Not observed in large population cohorts (Lek et al., 2016); In silico analysis supports that this missense variant does not alter protein structure/function; Has not been previously published as pathogenic or benign to our knowledge